The following is an entry in ClinVar:

ClinVar aggregate classification (germline): Uncertain significance (1 of 4 stars; one submission).

Submission:

Labcorp Genetics (formerly Invitae), Labcorp
Classification: Uncertain significance. Last evaluated: 2024-01-08. Review status: criteria provided, single submitter. Criteria: Invitae Variant Classification Sherloc (09022015). Collection method: clinical testing. Allele origin: germline.
Comment: This sequence change replaces lysine, which is basic and polar, with isoleucine, which is neutral and non-polar, at codon 490 of the KMT2E protein (p.Lys490Ile). This variant is not present in population databases (gnomAD no frequency). This variant has not been reported in the literature in individuals affected with KMT2E-related conditions. Advanced modeling of protein sequence and biophysical properties (such as structural, functional, and spatial information, amino acid conservation, physicochemical variation, residue mobility, and thermodynamic stability) performed at Invitae indicates that this missense variant is not expected to disrupt KMT2E protein function with a negative predictive value of 80%. In summary, the available evidence is currently insufficient to determine the role of this variant in disease. Therefore, it has been classified as a Variant of Uncertain Significance.

NM_182931.3(KMT2E):c.1469A>T (p.Lys490Ile)

Gene: KMT2E (lysine methyltransferase 2E (inactive); plus strand). Cytogenetic location: 7q22.3.
Variant type: single nucleotide variant.
Coding change: c.1469A>T on transcript NM_182931.3 (MANE Select); coding-DNA position 1469, A replaced by T.
Protein change: p.Lys490Ile; replaces lysine 490 with isoleucine.
Molecular consequence: missense variant.
Genome position (GRCh38, 1-based): chr7:105,090,119, A>T. VCF-style: chr7-105090119-A-T. GRCh37 (hg19) VCF-style: chr7-104730566-A-T.
Other names: c.1469A>T, p.Lys490Ile (NM_001410908.1, NM_018682.4); short protein forms K490I.
Identifiers: ClinVar variation 2708364 (VCV002708364.3), dbSNP rs2536462085, ClinGen allele CA368782278.